The following is an entry in ClinVar:

ClinVar aggregate classification (germline): Pathogenic (1 of 4 stars; one submission).

Conditions:
Atrioventricular septal defect 4 (AVSD4). Identifiers: MedGen C3280781, MONDO:0013747, OMIM 614430.

Submission:

Labcorp Genetics (formerly Invitae), Labcorp
Classification: Pathogenic for Atrioventricular septal defect 4. Last evaluated: 2022-11-08. Review status: criteria provided, single submitter. Criteria: Invitae Variant Classification Sherloc (09022015). Collection method: clinical testing. Allele origin: germline.
Comment: For these reasons, this variant has been classified as Pathogenic. This variant has not been reported in the literature in individuals affected with GATA4-related conditions. This variant is not present in population databases (gnomAD no frequency). This sequence change creates a premature translational stop signal (p.Val218Glnfs*109) in the GATA4 gene. It is expected to result in an absent or disrupted protein product. Loss-of-function variants in GATA4 are known to be pathogenic (PMID: 12845333, 15235040).

Literature cited by the submitters: PubMed 12845333; PubMed 15235040.

NM_001308093.3(GATA4):c.655_656del (p.Val219fs)

Gene: GATA4 (GATA binding protein 4). Cytogenetic location: 8p23.1.
Variant type: Microsatellite.
Coding change: c.655_656del on transcript NM_001308093.3 (MANE Select); coding-DNA positions 655 to 656, 2 bases deleted.
Protein change: p.Val219fs; shifts the reading frame from valine 219.
Molecular consequence: frameshift variant.
Genome position: GRCh38 VCF-style: chr8-11748949-AGT-A. GRCh37 (hg19) VCF-style: chr8-11606458-AGT-A.
Other names: c.34_35del, p.Val12fs (NM_001308094.2, NM_001374273.1, NM_001374274.1); c.652_653del, p.Val218fs (NM_002052.5); short protein forms V12fs, V218fs, V219fs.
Identifiers: ClinVar variation 2812933 (VCV002812933.3), dbSNP rs2486966933, ClinGen allele CA2739280075.
Genomic context (GRCh38, chr8:11,748,949, plus strand): 5'-TTTTCTTGTCTGTTCCCCCCAACTCAGTAGATATGTTTGACGACTTCTCAGAAGGCAGAG[AGT>A]GTGTCAACTGTGGGGCTATGTCCACCCCGCTCTGGAGGCGAGATGGGACGGGTCACTATC-3'